The following is an entry in ClinVar:

NM_006306.4(SMC1A):c.2912G>T (p.Ser971Ile)

Gene: SMC1A (structural maintenance of chromosomes 1A; minus strand). Cytogenetic location: Xp11.22.
Variant type: single nucleotide variant.
Coding change: c.2912G>T on transcript NM_006306.4 (MANE Select); coding-DNA position 2912, G replaced by T.
Protein change: p.Ser971Ile; replaces serine 971 with isoleucine.
Molecular consequence: missense variant.
Genome position (GRCh38, 1-based): chrX:53,394,839, C>A on the plus strand (G>T on the coding strand, the complement: SMC1A is on the minus strand). VCF-style: chrX-53394839-C-A. GRCh37 (hg19) VCF-style: chrX-53421759-C-A.
Other names: c.2846G>T, p.Ser949Ile (NM_001281463.1); short protein forms S949I, S971I.
Identifiers: ClinVar variation 2769938 (VCV002769938.3), dbSNP rs2520884876, ClinGen allele CA413247416.

ClinVar aggregate classification (germline): Uncertain significance (1 of 4 stars; one submission).

Conditions:
Congenital muscular hypertrophy-cerebral syndrome (CDLS2). Also called: SMC1A-Related Cornelia de Lange Syndrome; Cornelia de Lange syndrome 2. Identifiers: Orphanet 199, MedGen C1802395, MONDO:0010370, OMIM 300590.

Submission:

Labcorp Genetics (formerly Invitae), Labcorp
Classification: Uncertain significance for Congenital muscular hypertrophy-cerebral syndrome. Last evaluated: 2023-06-05. Review status: criteria provided, single submitter. Criteria: Invitae Variant Classification Sherloc (09022015). Collection method: clinical testing. Allele origin: germline.
Comment: In summary, the available evidence is currently insufficient to determine the role of this variant in disease. Therefore, it has been classified as a Variant of Uncertain Significance. Advanced modeling of protein sequence and biophysical properties (such as structural, functional, and spatial information, amino acid conservation, physicochemical variation, residue mobility, and thermodynamic stability) performed at Invitae indicates that this missense variant is not expected to disrupt SMC1A protein function. This variant has not been reported in the literature in individuals affected with SMC1A-related conditions. This variant is not present in population databases (gnomAD no frequency). This sequence change replaces serine, which is neutral and polar, with isoleucine, which is neutral and non-polar, at codon 971 of the SMC1A protein (p.Ser971Ile).